The following is an entry in ClinVar:

ClinVar aggregate classification (germline): Uncertain significance (1 of 4 stars; one submission).

Conditions:
Alzheimer disease. Also called: Presenile and senile dementia; Alzheimer's disease. Identifiers: Orphanet 1020, MedGen C0002395, MeSH D000544, MONDO:0004975, HP:0002511.

Submission:

Labcorp Genetics (formerly Invitae), Labcorp
Classification: Uncertain significance for Alzheimer disease. Last evaluated: 2025-05-26. Review status: criteria provided, single submitter. Criteria: Invitae Variant Classification Sherloc (09022015). Collection method: clinical testing. Allele origin: germline.
Comment: This sequence change replaces arginine, which is basic and polar, with histidine, which is basic and polar, at codon 468 of the APP protein (p.Arg468His). This variant is present in population databases (rs746164396, gnomAD 0.01%). This variant has not been reported in the literature in individuals affected with APP-related conditions. Invitae Evidence Modeling of protein sequence and biophysical properties (such as structural, functional, and spatial information, amino acid conservation, physicochemical variation, residue mobility, and thermodynamic stability) indicates that this missense variant is not expected to disrupt APP protein function with a negative predictive value of 95%. Experimental studies have shown that this missense change does not substantially affect APP function (PMID: 32087291). In summary, the available evidence is currently insufficient to determine the role of this variant in disease. Therefore, it has been classified as a Variant of Uncertain Significance.

Literature cited by the submitters: PubMed 32087291.

NM_000484.4(APP):c.1403G>A (p.Arg468His)

Gene: APP (amyloid beta precursor protein; minus strand). Cytogenetic location: 21q21.3.
Variant type: single nucleotide variant.
Coding change: c.1403G>A on transcript NM_000484.4 (MANE Select); coding-DNA position 1403, G replaced by A.
Protein change: p.Arg468His; replaces arginine 468 with histidine.
Molecular consequence: missense variant.
Genome position (GRCh38, 1-based): chr21:25,975,125, C>T on the plus strand (G>A on the coding strand, the complement: APP is on the minus strand). VCF-style: chr21-25975125-C-T. GRCh37 (hg19) VCF-style: chr21-27347438-C-T.
Other names: c.1331G>A, p.Arg444His (NM_001136016.3); c.1010G>A, p.Arg337His (NM_001136129.3); c.1235G>A, p.Arg412His (NM_001136130.3, NM_001385253.1); c.1073G>A, p.Arg358His (NM_001136131.3); c.1403G>A, p.Arg468His (NM_001204301.2); c.1346G>A, p.Arg449His (NM_001204302.2, NM_201413.3); c.1178G>A, p.Arg393His (NM_001204303.2, NM_201414.3); short protein forms R449H, R468H, R358H, R393H, R444H, R337H, R412H.
Identifiers: ClinVar variation 4777577 (VCV004777577.1).